The following is an entry in ClinVar:

NM_001267550.2(TTN):c.40537del (p.Glu13513fs)

Gene: TTN (titin; minus strand). Cytogenetic location: 2q31.2.
Variant type: Deletion.
Coding change: c.40537del on transcript NM_001267550.2 (MANE Select); coding-DNA position 40537, one base deleted (G; older notation c.40537delG).
Protein change: p.Glu13513fs; shifts the reading frame from glutamic acid 13513.
Molecular consequence: frameshift variant.
Genome position (GRCh38, 1-based): chr2:178,642,258, C deleted on the plus strand (G on the coding strand, the reverse complement: TTN is on the minus strand); the first of 2 consecutive C bases (chr2:178,642,258-178,642,259); deleting either gives the same sequence. VCF-style (leftmost placement, unchanged base first): chr2-178642257-TC-T. GRCh37 (hg19) VCF-style: chr2-179506984-TC-T.
Other names: c.35614del, p.Glu11872fs (NM_001256850.1); c.13342del, p.Glu4448fs (NM_003319.4); c.32833del, p.Glu10945fs (NM_133378.4); c.13717del, p.Glu4573fs (NM_133432.3); c.13918del, p.Glu4640fs (NM_133437.4); c.13342delG (NM_003319.4); short protein forms E10945fs, E13513fs, E4573fs, E11872fs, E4640fs, E4448fs.
Identifiers: ClinVar variation 502375 (VCV000502375.15), dbSNP rs1553756349, ClinGen allele CA658796083.

ClinVar aggregate classification (germline): Conflicting classifications of pathogenicity. Review status: criteria provided, conflicting classifications (1 of 4 stars). 3 submissions from 3 submitters: Likely pathogenic (2); Uncertain significance (1). Last evaluated 2024-10-31.

Conditions:
Cardiovascular phenotype. Identifiers: MedGen CN230736.
Autosomal recessive limb-girdle muscular dystrophy type 2J (LGMDR10). Also called: MUSCULAR DYSTROPHY, LIMB-GIRDLE, AUTOSOMAL RECESSIVE 10; Limb-girdle muscular dystrophy, type 2J. Identifiers: Orphanet 140922, MedGen C1837342, MONDO:0012127, OMIM 608807.
Dilated cardiomyopathy 1G (CMD1G). Identifiers: Orphanet 154, MedGen C1858763, MONDO:0011400, OMIM 604145.

Submissions (3):

Labcorp Genetics (formerly Invitae), Labcorp
Classification: Likely pathogenic for Dilated cardiomyopathy 1G; Autosomal recessive limb-girdle muscular dystrophy type 2J. Last evaluated: 2024-10-31. Review status: criteria provided, single submitter. Criteria: Invitae Variant Classification Sherloc (09022015). Collection method: clinical testing. Allele origin: germline.
Comment: This sequence change creates a premature translational stop signal (p.Glu13513Lysfs*5) in the TTN gene. While this is not anticipated to result in nonsense mediated decay, it is expected to create a truncated TTN protein. This variant is not present in population databases (gnomAD no frequency). This variant has not been reported in the literature in individuals affected with TTN-related conditions. ClinVar contains an entry for this variant (Variation ID: 502375). This variant is located in the I band of TTN (PMID: 25589632). Truncating variants in this region have been reported in individuals affected with autosomal recessive centronuclear myopathy (PMID: 23975875, internal data). Truncating variants in this region have also been identified in individuals affected with autosomal dominant dilated cardiomyopathy and/or cardio-related conditions (PMID: 27869827, 32964742, internal data). In summary, the currently available evidence indicates that the variant is pathogenic, but additional data are needed to prove that conclusively. Therefore, this variant has been classified as Likely Pathogenic.

Ambry Genetics
Classification: Likely pathogenic for Cardiovascular phenotype. Last evaluated: 2023-08-18. Review status: criteria provided, single submitter. Criteria: Ambry Variant Classification Scheme 2023. Collection method: clinical testing. Allele origin: germline.
Comment: The c.13342delG variant, located in coding exon 46 of the TTN gene, results from a deletion of one nucleotide at nucleotide position 13342, causing a translational frameshift with a predicted alternate stop codon (p.E4448Kfs*5). This exon is located in the I-band region of the N2-B isoform of the titin protein and is constitutively expressed in TTN transcripts (percent spliced in or PSI 100%). This variant is considered to be rare based on population cohorts in the Genome Aggregation Database (gnomAD). This alteration is expected to result in loss of function by premature protein truncation or nonsense-mediated mRNA decay. While truncating variants in TTN are present in 1-3% of the general population, truncating variants in the A-band are the most common cause of dilated cardiomyopathy (DCM) (Herman DS et al. N. Engl. J. Med., 2012 Feb;366:619-28; Roberts AM et al. Sci Transl Med, 2015 Jan;7:270ra6). TTN truncating variants encoded in constitutive exons (PSI >90%) have been found to be significantly associated with DCM regardless of their position in titin (Schafer S et al. Nat. Genet., 2017 01;49:46-53). Based on the majority of available evidence to date, this variant is likely to be pathogenic.

Eurofins Ntd Llc (ga)
Classification: Uncertain significance. Last evaluated: 2017-06-02. Review status: criteria provided, single submitter. Criteria: EGL Classification Definitions 2015. Collection method: clinical testing. Allele origin: germline. Observed: 1 variant allele, 1 heterozygote.

Literature cited by the submitters: PubMed 25589632 (cited by Labcorp Genetics (formerly Invitae), Labcorp); PubMed 23975875 (cited by Labcorp Genetics (formerly Invitae), Labcorp); PubMed 27869827 (cited by Labcorp Genetics (formerly Invitae), Labcorp); PubMed 32964742 (cited by Labcorp Genetics (formerly Invitae), Labcorp).